The following is an entry in ClinVar:

ClinVar aggregate classification (germline): Benign (0 of 4 stars; one submission).

Conditions:
KIF26B-related disorder. Also called: KIF26B-related condition.

Allele frequency attached by ClinVar (database versions not stated): gnomAD exomes 0.00025; ExAC 0.00075; ESP Exome Variant Server 0.00194; gnomAD 0.00211; TOPMed 0.00245; 1000 Genomes Project 0.00300; 1000 Genomes Project 30x 0.00328.
gnomAD v4.1: 689 of 1,596,156 alleles (0.043%); highest among the groups gnomAD compares: African/African-American, 0.8%; 3 homozygotes.

Submission:

PreventionGenetics, part of Exact Sciences
Classification: Benign for KIF26B-related condition. Last evaluated: 2019-08-13. Review status: no assertion criteria provided. Collection method: clinical testing. Allele origin: germline.
Comment: This variant is classified as benign based on ACMG/AMP sequence variant interpretation guidelines (Richards et al. 2015 PMID: 25741868, with internal and published modifications).

NM_018012.4(KIF26B):c.5211A>G (p.Arg1737=)

Gene: KIF26B (kinesin family member 26B; plus strand). Cytogenetic location: 1q44.
Variant type: single nucleotide variant.
Coding change: c.5211A>G on transcript NM_018012.4 (MANE Select); coding-DNA position 5211, A replaced by G.
Protein change: p.Arg1737=; no amino-acid change (arginine 1737 retained).
Molecular consequence: synonymous variant.
Genome position (GRCh38, 1-based): chr1:245,688,194, A>G. VCF-style: chr1-245688194-A-G. GRCh37 (hg19) VCF-style: chr1-245851496-A-G.
Identifiers: ClinVar variation 3052907 (VCV003052907.2), dbSNP rs183494414, ClinGen allele CA1488624.